The following is an entry in ClinVar:

ClinVar aggregate classification (germline): Uncertain significance (1 of 4 stars; one submission).

Conditions:
Idiopathic generalized epilepsy. Also called: EIG; Generalised epilepsy. Identifiers: MedGen C0270850, MONDO:0005579, OMIM 600669.

Submission:

Labcorp Genetics (formerly Invitae), Labcorp
Classification: Uncertain significance for Idiopathic generalized epilepsy. Last evaluated: 2020-03-06. Review status: criteria provided, single submitter. Criteria: Invitae Variant Classification Sherloc (09022015). Collection method: clinical testing. Allele origin: germline.
Comment: This sequence change replaces glutamine with proline at codon 85 of the RBFOX3 protein (p.Gln85Pro). The glutamine residue is moderately conserved and there is a moderate physicochemical difference between glutamine and proline. This variant is not present in population databases (ExAC no frequency). In summary, the available evidence is currently insufficient to determine the role of this variant in disease. Therefore, it has been classified as a Variant of Uncertain Significance. Algorithms developed to predict the effect of missense changes on protein structure and function output the following: SIFT: "Tolerated"; PolyPhen-2: "Benign"; Align-GVGD: "Class C0". The proline amino acid residue is found in multiple mammalian species, suggesting that this missense change does not adversely affect protein function. These predictions have not been confirmed by published functional studies and their clinical significance is uncertain. This variant has not been reported in the literature in individuals with RBFOX3-related disease.

NM_001350451.2(RBFOX3):c.254A>C (p.Gln85Pro)

Gene: RBFOX3 (RNA binding fox-1 homolog 3; minus strand). Cytogenetic location: 17q25.3.
Variant type: single nucleotide variant.
Coding change: c.254A>C on transcript NM_001350451.2 (MANE Select); coding-DNA position 254, A replaced by C.
Protein change: p.Gln85Pro; replaces glutamine 85 with proline.
Molecular consequence: missense variant.
Genome position (GRCh38, 1-based): chr17:79,106,757, T>G on the plus strand (A>C on the coding strand, the complement: RBFOX3 is on the minus strand). VCF-style: chr17-79106757-T-G. GRCh37 (hg19) VCF-style: chr17-77102839-T-G.
Other names: c.254A>C, p.Gln85Pro (NM_001082575.3, NM_001350453.2, NM_001385804.1 and 36 more transcripts); c.251A>C, p.Gln84Pro (NM_001385806.1, NM_001385822.1, NM_001385823.1 and 4 more transcripts); short protein forms Q84P, Q85P.
Identifiers: ClinVar variation 1060199 (VCV001060199.9), dbSNP rs2146665255, ClinGen allele CA401317741.